The following continues an entry in ClinVar:

NM_000059.3(BRCA2):c.2808_2811del (p.Ala938Profs)

Gene: BRCA2. ClinVar aggregate classification (germline): Pathogenic. Pathogenic (1).

Submissions 11 to 22 of 70:

Ambry Genetics
Classification: Pathogenic for Hereditary cancer-predisposing syndrome. Last evaluated: 2025-07-14. Review status: criteria provided, single submitter. Criteria: Ambry Variant Classification Scheme 2023. Collection method: clinical testing. Allele origin: germline. Not counted in ClinVar's aggregate classification.
Comment: The c.2808_2811DELACAA (p.A938PFS*21) alteration, located in exon 11 (coding exon 10) of the BRCA2 gene, consists of a deletion of 4 nucleotides from position 2808 to 2811, causing a translational frameshift with a predicted alternate stop codon after 21 amino acids. This alteration is expected to result in loss of function by premature protein truncation or nonsense-mediated mRNA decay. Based on data from gnomAD, this allele has an overall frequency of 0.001% (2/250852) total alleles studied. The highest observed frequency was 0.002% (2/113374) of European (non-Finnish) alleles. This mutation has been identified in multiple families with breast, ovarian, prostate, and other cancers (D&iacute;ez, 2003; Edwards, 2010; Zhang, 2011; Torres, 2017; Alemar, 2017; Isaacsson Velho, 2018; Bertelsen, 2019; Moradian, 2021; Solano, 2021) and has been reported as a Norwegian founder mutation (Heramb, 2018). Of note, this alteration is also designated as 3036del4 in published literature. Based on the available evidence, this alteration is classified as pathogenic.

GeneKor MSA
Classification: Pathogenic for Hereditary breast ovarian cancer syndrome. Last evaluated: 2025-06-25. Review status: criteria provided, single submitter. Criteria: ACMG Guidelines, 2015. Collection method: clinical testing. Allele origin: germline. Affected: yes. Not counted in ClinVar's aggregate classification.
Comment: This is a 4-nucleotide deletion in exon 11 of the BRCA2 mRNA c.(2808_2811delACAA), causing a frameshift after codon 938 and the creation of a premature translation stop signal 21 amino acid residues later, p.(Ala938Profs*21). This is expected to result in an absent or disrupted protein product. Truncating variants in BRCA2 are known to be pathogenic. This variant is also known as 2807del4, 3034del4, 3034delAAAC, 3036del4, 3036delACAA, or 3036_3039del4. This variation is present in population databases (rs80359351). This alteration has been reported in the international literature in individuals affected with female and male breast cancer, ovarian, prostate and pancreatic cancers (PMID:9585613, 21952622, 12955716, 23929434, 28724667, 32101877, 33558524, 34399810). The mutation database ClinVar contains entries for this variant (VCV000009322.154). Based on the classification criteria set by the ACMG and AMP (PMID:25741868) this variant has been classified as pathogenic.

ARUP Laboratories, Molecular Genetics and Genomics, ARUP Laboratories
Classification: Pathogenic. Last evaluated: 2025-04-21. Review status: criteria provided, single submitter. Criteria: ARUP Molecular Germline Variant Investigation Process 2024. Collection method: clinical testing. Allele origin: germline. Not counted in ClinVar's aggregate classification.
Comment: The BRCA2 c.2808_2811del; Ala938ProfsTer21 variant (rs80359351) is reported in the literature in individuals affected with familial breast, ovarian, and prostate cancers (Edwards 2010, Kote-Jarai 2011, Walsh 2011, Wooster 1995, Zhang 2011), and it has been described as a founder variant in Western Europeans (Caputo 2012). This variant is reported as pathogenic by numerous sources in ClinVar (Variation ID: 9322) and is only observed on two alleles in the Genome Aggregation Database (v2.1.1), indicating it is not a common polymorphism. This variant causes a frameshift by deleting four nucleotides, so it is predicted to result in a truncated protein or mRNA subject to nonsense-mediated decay. Based on available information, this variant is considered pathogenic. References: Caputo S et al. Description and analysis of genetic variants in French hereditary breast and ovarian cancer families recorded in the UMD-BRCA1/BRCA2 databases. Nucleic Acids Res. 2012 Jan;40(Database issue):D992-1002. PMID: 22144684. Edwards SM et al. Prostate cancer in BRCA2 germline mutation carriers is associated with poorer prognosis. Br J Cancer. 2010 Sep 7;103(6):918-24. PMID: 20736950. Kote-Jarai Z et al. BRCA2 is a moderate penetrance gene contributing to young-onset prostate cancer: implications for genetic testing in prostate cancer patients. Br J Cancer. 2011 Oct 11;105(8):1230-4. PMID: 21952622. Walsh T et al. Mutations in 12 genes for inherited ovarian, fallopian tube, and peritoneal carcinoma identified by massively parallel sequencing. Proc Natl Acad Sci U S A. 2011 Nov 1;108(44):18032-7. PMID: 22006311. Wooster R et al. Identification of the breast cancer susceptibility gene BRCA2. Nature. 1995 Dec 21-28;378(6559):789-92. PMID: 8524414. Zhang S et al. Frequencies of BRCA1 and BRCA2 mutations among 1,342 unselected patients with invasive ovarian cancer. Gynecol Oncol. 2011 May 1;121(2):353-7. PMID: 21324516.

Mayo Clinic Laboratories, Mayo Clinic
Classification: Pathogenic. Last evaluated: 2025-03-19. Review status: criteria provided, single submitter. Criteria: ACMG Guidelines, 2015. Collection method: clinical testing. Allele origin: germline. Observed: 3 variant alleles. Not counted in ClinVar's aggregate classification.
Comment: PP4_very_strong, PM5_strong, PVS1

Center for Genomic Medicine, Rigshospitalet, Copenhagen University Hospital
Classification: Pathogenic. Last evaluated: 2025-03-04. Review status: criteria provided, single submitter. Criteria: ACMG Guidelines, 2015. Collection method: clinical testing. Allele origin: germline. Not counted in ClinVar's aggregate classification.

Molecular Diagnostics Laboratory, Catalan Institute of Oncology
Classification: Pathogenic for Hereditary cancer-predisposing syndrome. Last evaluated: 2025-01-14. Review status: criteria provided, single submitter. Criteria: ClinGen BRCA1BRCA2 ACMG Specifications BRCA2 V1.0.0. Collection method: clinical testing. Allele origin: germline. Not counted in ClinVar's aggregate classification.
Comment: PVS1, PM5_PTC_Strong c.2808_2811del, located in exon 11 of the BRCA2 gene, consists in the deletion of 4 nucleotides causing a premature protein truncation and nonsense-mediated mRNA decay; p.(Ala938Profs*21)(PVS1, PM5_PTC_Strong). This variant is found in 2/236366 in the gnomAD v2.1.1 database, exome non-cancer data set. The SpliceAI algorithm predicts no significant impact on splicing. To our knowledge, functional studies have not been performed for this variant. This variant has been reported in the ClinVar database (58x pathogenic, 1x likely pathogenic) and LOVD (148x pathogenic, 1x likely pathogenic, 2x uncertain significance, 1x not classified) and classified as a pathogenic variant in BRCA Exchange database (“Variant allele predicted to encode a truncated non-functional protein”). Based on currently available information, the variant c.2808_2811del is classified as a pathogenic variant according to ClinGen-BRCA1 and BRCA2 Guidelines version 1.0.0.

Institute of Human Genetics, University of Leipzig Medical Center
Classification: Pathogenic for Familial cancer of breast. Last evaluated: 2024-12-06. Review status: criteria provided, single submitter. Criteria: ACMG Guidelines, 2015. Collection method: clinical testing. Allele origin: unknown. Inheritance: Autosomal dominant inheritance. Affected: yes. Not counted in ClinVar's aggregate classification.
Comment: Criteria applied: PVS1,PM5_STR

Blueprint Genetics
Classification: Pathogenic for BRCA2-related disorders. Last evaluated: 2024-11-06. Review status: criteria provided, single submitter. Criteria: ACMG Guidelines, 2015. Collection method: clinical testing. Allele origin: germline. Affected: yes. Observed: 5 variant alleles. Not counted in ClinVar's aggregate classification.

Revvity Omics, Revvity
Classification: Pathogenic. Last evaluated: 2024-10-27. Review status: criteria provided, single submitter. Criteria: ACMG Guidelines, 2015. Collection method: clinical testing. Allele origin: germline. Not counted in ClinVar's aggregate classification.

All of Us Research Program, National Institutes of Health
Classification: Pathogenic for BRCA2-related cancer predisposition. Last evaluated: 2024-09-03. Review status: criteria provided, single submitter. Criteria: ACMG Guidelines, 2015. Collection method: clinical testing. Allele origin: germline. Inheritance: Autosomal dominant inheritance. Observed: 11 variant alleles, 11 heterozygotes. Not counted in ClinVar's aggregate classification.
Comment: This variant deletes 4 nucleotides in exon 11 of the BRCA2 gene, creating a frameshift and premature translation stop signal. This variant is expected to result in an absent or non-functional protein product. This variant is also known as c.2806_2809del, 3034del4 and 3036del4 in the literature. This variant has been reported as a recurrent mutation worldwide in over 100 individuals affected with breast and/or ovarian cancer (PMID: 8665505, 11030418, 11158174, 12955716, 15024741, 21324516, 22006311, 21598239, 22970155, 23469205, 25476495, 26026974, 27257965, 28680148, 28692638, 29339979, 30287823) and a breast cancer case-control meta-analysis has reported this variant in 29/60437 cases and 6/53455 unaffected individuals (OR=4.275, 95%CI 1.775 to 10.298) (PMID: 33471991; Leiden Open Variation Database DB-ID BRCA2_001211). This variant also has been reported in individuals affected with prostate cancer (PMID: 20736950, 29368341). This variant has been identified in 2/250852 chromosomes in the general population by the Genome Aggregation Database (gnomAD). Loss of BRCA2 function is a known mechanism of disease. Based on the available evidence, this variant is classified as Pathogenic.

This study involves interpretation of variants in research participants for the purpose of population health screening. Participant phenotype was not available at the time of variant classification. Additional details can be found in publication PMID: 35346344, PMCID: PMC8962531

Department of Clinical Genetics, Copenhagen University Hospital, Rigshospitalet
Classification: Pathogenic for Breast-ovarian cancer, familial, susceptibility to, 2. Last evaluated: 2024-05-27. Review status: criteria provided, single submitter. Criteria: ACMG Guidelines, 2015. Collection method: clinical testing. Allele origin: germline. Affected: yes. Not counted in ClinVar's aggregate classification.
Comment: PVS1; PM5_PTC_Strong

Baylor Genetics
Classification: Pathogenic for Familial cancer of breast. Last evaluated: 2024-03-27. Review status: criteria provided, single submitter. Criteria: ACMG Guidelines, 2015. Collection method: clinical testing. Allele origin: unknown. Not counted in ClinVar's aggregate classification.